The following is an entry in ClinVar:

ClinVar aggregate classification (germline): Uncertain significance (1 of 4 stars; one submission).

Submission:

Labcorp Genetics (formerly Invitae), Labcorp
Classification: Uncertain significance. Last evaluated: 2025-04-13. Review status: criteria provided, single submitter. Criteria: Invitae Variant Classification Sherloc (09022015). Collection method: clinical testing. Allele origin: germline.
Comment: This sequence change replaces serine, which is neutral and polar, with asparagine, which is neutral and polar, at codon 62 of the ZDBF2 protein (p.Ser62Asn). This variant is present in population databases (rs200516787, gnomAD 0.09%), and has an allele count higher than expected for a pathogenic variant. This variant has not been reported in the literature in individuals affected with ZDBF2-related conditions. An algorithm developed to predict the effect of missense changes on protein structure and function outputs the following: PolyPhen-2: "Benign". The asparagine amino acid residue is found in multiple mammalian species, which suggests that this missense change does not adversely affect protein function. In summary, the available evidence is currently insufficient to determine the role of this variant in disease. Therefore, it has been classified as a Variant of Uncertain Significance.

NM_020923.3(ZDBF2):c.185G>A (p.Ser62Asn)

Gene: ZDBF2 (zinc finger DBF-type containing 2; plus strand). Cytogenetic location: 2q33.3.
Variant type: single nucleotide variant.
Coding change: c.185G>A on transcript NM_020923.3 (MANE Select); coding-DNA position 185, G replaced by A.
Protein change: p.Ser62Asn; replaces serine 62 with asparagine.
Molecular consequence: missense variant.
Genome position (GRCh38, 1-based): chr2:206,297,370, G>A. VCF-style: chr2-206297370-G-A. GRCh37 (hg19) VCF-style: chr2-207162094-G-A.
Other names: c.179G>A, p.Ser60Asn (NM_001285549.2); c.185G>A, p.Ser62Asn (NM_001369654.1); short protein forms S62N, S60N.
Identifiers: ClinVar variation 4742000 (VCV004742000.1).